The following is an entry in ClinVar:

NM_006269.2(RP1):c.2293A>C (p.Thr765Pro)

Gene: RP1 (RP1 axonemal microtubule associated; plus strand). Cytogenetic location: 8q12.1.
Variant type: single nucleotide variant.
Coding change: c.2293A>C on transcript NM_006269.2 (MANE Select); coding-DNA position 2293, A replaced by C.
Protein change: p.Thr765Pro; replaces threonine 765 with proline.
Molecular consequence: missense variant. On other transcripts: intron variant (1).
Genome position (GRCh38, 1-based): chr8:54,626,175, A>C. VCF-style: chr8-54626175-A-C. GRCh37 (hg19) VCF-style: chr8-55538735-A-C.
Other names: c.787+3887A>C (NM_001375654.1); short protein forms T765P.
Identifiers: ClinVar variation 2816853 (VCV002816853.3), dbSNP rs1806039947, ClinGen allele CA370993351.

ClinVar aggregate classification (germline): Uncertain significance (1 of 4 stars; one submission).

Allele frequency attached by ClinVar (database versions not stated): gnomAD 0.00001.

Submission:

Labcorp Genetics (formerly Invitae), Labcorp
Classification: Uncertain significance. Last evaluated: 2022-11-30. Review status: criteria provided, single submitter. Criteria: Invitae Variant Classification Sherloc (09022015). Collection method: clinical testing. Allele origin: germline.
Comment: This sequence change replaces threonine, which is neutral and polar, with proline, which is neutral and non-polar, at codon 765 of the RP1 protein (p.Thr765Pro). This variant is not present in population databases (gnomAD no frequency). In summary, the available evidence is currently insufficient to determine the role of this variant in disease. Therefore, it has been classified as a Variant of Uncertain Significance. Algorithms developed to predict the effect of missense changes on protein structure and function are either unavailable or do not agree on the potential impact of this missense change (SIFT: "Deleterious"; PolyPhen-2: "Benign"; Align-GVGD: "Class C0"). This variant has not been reported in the literature in individuals affected with RP1-related conditions.